The following is an entry in ClinVar:

NM_001040108.2(MLH3):c.2441C>T (p.Ser814Leu)

Gene: MLH3 (mutL homolog 3; minus strand). Cytogenetic location: 14q24.3.
Variant type: single nucleotide variant.
Coding change: c.2441C>T on transcript NM_001040108.2 (MANE Select); coding-DNA position 2441, C replaced by T.
Protein change: p.Ser814Leu; replaces serine 814 with leucine.
Molecular consequence: missense variant.
Genome position (GRCh38, 1-based): chr14:75,047,215, G>A on the plus strand (C>T on the coding strand, the complement: MLH3 is on the minus strand). VCF-style: chr14-75047215-G-A. GRCh37 (hg19) VCF-style: chr14-75513918-G-A.
Other names: c.2441C>T, p.Ser814Leu (NM_014381.3); short protein forms S814L.
Identifiers: ClinVar variation 3295129 (VCV003295129.1).

ClinVar aggregate classification (germline): Uncertain significance (1 of 4 stars; one submission).

Submission:

Ambry Genetics
Classification: Uncertain significance. Last evaluated: 2024-05-02. Review status: criteria provided, single submitter. Criteria: Ambry Variant Classification Scheme 2023. Collection method: clinical testing. Allele origin: germline.
Comment: The p.S814L variant (also known as c.2441C>T), located in coding exon 1 of the MLH3 gene, results from a C to T substitution at nucleotide position 2441. The serine at codon 814 is replaced by leucine, an amino acid with dissimilar properties. This amino acid position is conserved. In addition, this alteration is predicted to be tolerated by in silico analysis. Based on the available evidence, the clinical significance of this variant remains unclear.